The following is an entry in ClinVar:

ClinVar aggregate classification (germline): Uncertain significance (1 of 4 stars; one submission).

Submission:

Labcorp Genetics (formerly Invitae), Labcorp
Classification: Uncertain significance. Last evaluated: 2023-04-06. Review status: criteria provided, single submitter. Criteria: Invitae Variant Classification Sherloc (09022015). Collection method: clinical testing. Allele origin: germline.
Comment: This variant has not been reported in the literature in individuals affected with COL11A1-related conditions. Advanced modeling of protein sequence and biophysical properties (such as structural, functional, and spatial information, amino acid conservation, physicochemical variation, residue mobility, and thermodynamic stability) performed at Invitae indicates that this missense variant is not expected to disrupt COL11A1 protein function. In summary, the available evidence is currently insufficient to determine the role of this variant in disease. Therefore, it has been classified as a Variant of Uncertain Significance. This variant is not present in population databases (gnomAD no frequency). This sequence change replaces threonine, which is neutral and polar, with alanine, which is neutral and non-polar, at codon 328 of the COL11A1 protein (p.Thr328Ala).

NM_001854.4(COL11A1):c.982A>G (p.Thr328Ala)

Gene: COL11A1 (collagen type XI alpha 1 chain; minus strand). Cytogenetic location: 1p21.1.
Variant type: single nucleotide variant.
Coding change: c.982A>G on transcript NM_001854.4 (MANE Select); coding-DNA position 982, A replaced by G.
Protein change: p.Thr328Ala; replaces threonine 328 with alanine.
Molecular consequence: missense variant. On other transcripts: non-coding transcript variant (1), intron variant (1).
Genome position (GRCh38, 1-based): chr1:103,025,529, T>C on the plus strand (A>G on the coding strand, the complement: COL11A1 is on the minus strand). VCF-style: chr1-103025529-T-C. GRCh37 (hg19) VCF-style: chr1-103491085-T-C.
Other names: c.865A>G, p.Thr289Ala (NM_001190709.2); c.1018A>G, p.Thr340Ala (NM_080629.3); c.897+687A>G (NM_080630.4); short protein forms T340A, T289A, T328A.
Identifiers: ClinVar variation 2852847 (VCV002852847.3), dbSNP rs2525607672, ClinGen allele CA341155448.
Genomic context (GRCh38, chr1:103,025,529, plus strand): 5'-ATTACATATTTAAAAAGTGGGACTGTGATTTAATACTGTCTATACGTATTACCTCATTTG[T>C]CCCAGAAACATGCCTAGGAGCTTCTGTCTGGTAACTTTCCATTGTTCCATAGTTGTATTC-3'
Protein context (NP_001845.3, residues 318-338): QTEAPRHVSG[Thr328Ala]NEPNPVEEIF